The following is an entry in ClinVar:

NM_001572.5(IRF7):c.233G>A (p.Gly78Asp)

Gene: IRF7 (interferon regulatory factor 7; minus strand). Cytogenetic location: 11p15.5.
Variant type: single nucleotide variant.
Coding change: c.233G>A on transcript NM_001572.5 (MANE Select); coding-DNA position 233, G replaced by A.
Protein change: p.Gly78Asp; replaces glycine 78 with aspartic acid.
Molecular consequence: missense variant.
Genome position (GRCh38, 1-based): chr11:614,958, C>T on the plus strand (G>A on the coding strand, the complement: IRF7 is on the minus strand). VCF-style: chr11-614958-C-T. GRCh37 (hg19) VCF-style: chr11-614958-C-T.
Other names: c.233G>A, p.Gly78Asp (LRG_1313t1, NM_004029.4); c.272G>A, p.Gly91Asp (NM_004031.4); short protein forms G78D, G91D.
Identifiers: ClinVar variation 645849 (VCV000645849.8), dbSNP rs751103357, ClinGen allele CA5784031.

ClinVar aggregate classification (germline): Uncertain significance (1 of 4 stars; one submission).

Conditions:
Immunodeficiency 39 (IMD39). Identifiers: Orphanet 574918, MedGen C4225358, MONDO:0014597, OMIM 616345.

Allele frequency attached by ClinVar (database versions not stated): gnomAD exomes 0.00002; TOPMed 0.00003; ExAC 0.00010; gnomAD 0.00010.

Submission:

Labcorp Genetics (formerly Invitae), Labcorp
Classification: Uncertain significance for Immunodeficiency 39. Last evaluated: 2024-11-05. Review status: criteria provided, single submitter. Criteria: Invitae Variant Classification Sherloc (09022015). Collection method: clinical testing. Allele origin: germline.
Comment: This sequence change replaces glycine, which is neutral and non-polar, with aspartic acid, which is acidic and polar, at codon 91 of the IRF7 protein (p.Gly91Asp). The frequency data for this variant in the population databases is considered unreliable, as metrics indicate poor data quality at this position in the gnomAD database. This variant has not been reported in the literature in individuals affected with IRF7-related conditions. ClinVar contains an entry for this variant (Variation ID: 645849). Invitae Evidence Modeling of protein sequence and biophysical properties (such as structural, functional, and spatial information, amino acid conservation, physicochemical variation, residue mobility, and thermodynamic stability) indicates that this missense variant is not expected to disrupt IRF7 protein function with a negative predictive value of 80%. In summary, the available evidence is currently insufficient to determine the role of this variant in disease. Therefore, it has been classified as a Variant of Uncertain Significance.